The following is an entry in ClinVar:

ClinVar aggregate classification (germline): Uncertain significance (1 of 4 stars; one submission).

Submission:

Labcorp Genetics (formerly Invitae), Labcorp
Classification: Uncertain significance. Last evaluated: 2024-05-17. Review status: criteria provided, single submitter. Criteria: Invitae Variant Classification Sherloc (09022015). Collection method: clinical testing. Allele origin: germline.
Comment: This sequence change replaces lysine, which is basic and polar, with asparagine, which is neutral and polar, at codon 932 of the KAT6A protein (p.Lys932Asn). This variant is not present in population databases (gnomAD no frequency). This variant has not been reported in the literature in individuals affected with KAT6A-related conditions. An algorithm developed to predict the effect of missense changes on protein structure and function (PolyPhen-2) suggests that this variant is likely to be tolerated. In summary, the available evidence is currently insufficient to determine the role of this variant in disease. Therefore, it has been classified as a Variant of Uncertain Significance.

NM_006766.5(KAT6A):c.2796A>T (p.Lys932Asn)

Gene: KAT6A (lysine acetyltransferase 6A; minus strand). Cytogenetic location: 8p11.21.
Variant type: single nucleotide variant.
Coding change: c.2796A>T on transcript NM_006766.5 (MANE Select); coding-DNA position 2796, A replaced by T.
Protein change: p.Lys932Asn; replaces lysine 932 with asparagine.
Molecular consequence: missense variant.
Genome position (GRCh38, 1-based): chr8:41,941,085, T>A on the plus strand (A>T on the coding strand, the complement: KAT6A is on the minus strand). VCF-style: chr8-41941085-T-A. GRCh37 (hg19) VCF-style: chr8-41798603-T-A.
Other names: short protein forms K932N.
Identifiers: ClinVar variation 3627872 (VCV003627872.2).
Genomic context (GRCh38, chr8:41,941,085, plus strand): 5'-CTTGAGCTGTCCTCGCCAGGGCTCAACCCCCTCACTGAGTCTTCTCTTGGGAAGGTCAGG[T>A]TTCCCGTCCTGGCTTGGCTGCTCCTCAGAAGCCACCAGCTGTTCTTCACTTTCAGTGTAT-3'
Protein context (NP_006757.2, residues 922-942): ASEEQPSQDG[Lys932Asn]PDLPKRRLSE